The following is an entry in ClinVar:

ClinVar aggregate classification (germline): Pathogenic (1 of 4 stars; one submission).

Conditions:
Bardet-Biedl syndrome (BBS). Identifiers: Orphanet 110, MedGen C0752166, MONDO:0015229.

Submission:

Labcorp Genetics (formerly Invitae), Labcorp
Classification: Pathogenic for Bardet-Biedl syndrome. Last evaluated: 2024-07-31. Review status: criteria provided, single submitter. Criteria: Invitae Variant Classification Sherloc (09022015). Collection method: clinical testing. Allele origin: germline.
Comment: This sequence change creates a premature translational stop signal (p.Glu162Serfs*60) in the TRIM32 gene. While this is not anticipated to result in nonsense mediated decay, it is expected to disrupt the last 492 amino acid(s) of the TRIM32 protein. This variant is not present in population databases (gnomAD no frequency). This variant has not been reported in the literature in individuals affected with TRIM32-related conditions. ClinVar contains an entry for this variant (Variation ID: 2157886). This variant disrupts a region of the TRIM32 protein in which other variant(s) (p.Val591Met) have been determined to be pathogenic (PMID: 30823891). This suggests that this is a clinically significant region of the protein, and that variants that disrupt it are likely to be disease-causing. For these reasons, this variant has been classified as Pathogenic.

Literature cited by the submitters: PubMed 30823891.

NM_012210.4(TRIM32):c.484del (p.Glu162fs)

Genes: ASTN2 (astrotactin 2; minus strand), TRIM32 (tripartite motif containing 32; plus strand). Cytogenetic location: 9q33.1.
Variant type: Deletion.
Coding change: c.484del on transcript NM_012210.4 (MANE Select); coding-DNA position 484, one base deleted (G; older notation c.484delG).
Protein change: p.Glu162fs; shifts the reading frame from glutamic acid 162.
Molecular consequence: frameshift variant. On other transcripts: intron variant (3).
Genome position (GRCh38, 1-based): chr9:116,698,226, G deleted; the last of 5 consecutive G bases (chr9:116,698,222-116,698,226); deleting any one gives the same sequence. VCF-style (leftmost placement, unchanged base first): chr9-116698221-TG-T. GRCh37 (hg19) VCF-style: chr9-119460500-TG-T.
Other names: c.484del, p.Glu162fs (NM_001099679.2, NM_001379048.1, NM_001379049.1 and 1 more transcripts); c.2653+27549del (NM_014010.5); c.2794+27549del (NM_001365069.1); c.2806+27549del (NM_001365068.1); short protein forms E162fs.
Identifiers: ClinVar variation 2157886 (VCV002157886.4), dbSNP rs2491060020, ClinGen allele CA2541915920.